The following is an entry in ClinVar:

ClinVar aggregate classification (germline): Uncertain significance (1 of 4 stars; one submission).

Allele frequency attached by ClinVar (database versions not stated): gnomAD exomes 0.00001.
gnomAD v4.1: 15 of 1,614,036 alleles (0.00093%); highest among the groups gnomAD compares: Non-Finnish European, 0.0012%; no homozygotes.

Submission:

Labcorp Genetics (formerly Invitae), Labcorp
Classification: Uncertain significance. Last evaluated: 2025-06-25. Review status: criteria provided, single submitter. Criteria: Invitae Variant Classification Sherloc (09022015). Collection method: clinical testing. Allele origin: germline.
Comment: This sequence change replaces arginine, which is basic and polar, with cysteine, which is neutral and slightly polar, at codon 341 of the CAPN5 protein (p.Arg341Cys). This variant is not present in population databases (gnomAD no frequency). This variant has not been reported in the literature in individuals affected with CAPN5-related conditions. ClinVar contains an entry for this variant (Variation ID: 846462). Invitae Evidence Modeling of protein sequence and biophysical properties (such as structural, functional, and spatial information, amino acid conservation, physicochemical variation, residue mobility, and thermodynamic stability) indicates that this missense variant is not expected to disrupt CAPN5 protein function with a negative predictive value of 80%. In summary, the available evidence is currently insufficient to determine the role of this variant in disease. Therefore, it has been classified as a Variant of Uncertain Significance.

NM_004055.5(CAPN5):c.1021C>T (p.Arg341Cys)

Gene: CAPN5 (calpain 5; plus strand). Cytogenetic location: 11q13.5.
Variant type: single nucleotide variant.
Coding change: c.1021C>T on transcript NM_004055.5 (MANE Select); coding-DNA position 1021, C replaced by T.
Protein change: p.Arg341Cys; replaces arginine 341 with cysteine.
Molecular consequence: missense variant.
Genome position (GRCh38, 1-based): chr11:77,118,206, C>T. VCF-style: chr11-77118206-C-T. GRCh37 (hg19) VCF-style: chr11-76829252-C-T.
Other names: short protein forms R341C.
Identifiers: ClinVar variation 846462 (VCV000846462.9), dbSNP rs899357203, ClinGen allele CA224829038.
Genomic context (GRCh38, chr11:77,118,206, plus strand): 5'-CCCACATCCAGGATGACCTTCGAGGACGTGTGCCGGTACTTCACGGACATCATCAAGTGC[C>T]GCGTGATCAACACATCCCACCTGAGCATCCACAAGACGTGGGAGGAGGCCCGGCTGCATG-3'
Protein context (NP_004046.2, residues 331-351): CRYFTDIIKC[Arg341Cys]VINTSHLSIH